The following is an entry in ClinVar:

ClinVar aggregate classification (germline): Conflicting classifications of pathogenicity. Review status: criteria provided, conflicting classifications (1 of 4 stars). 10 submissions from 8 submitters: Uncertain significance (6); Benign (1); Likely benign (3). Last evaluated 2025-09-30.

Conditions:
Age related macular degeneration 9. Identifiers: MedGen C1969651, MONDO:0012659, OMIM 611378.
Complement component 3 deficiency. Identifiers: Orphanet 280133, MedGen C3151071, MONDO:0013417, OMIM 613779.
Atypical hemolytic-uremic syndrome with C3 anomaly. Also called: AHUS, SUSCEPTIBILITY TO, 5. Identifiers: Orphanet 2134, MedGen C2752037, MONDO:0013043, OMIM 612925.
Atypical hemolytic-uremic syndrome. Identifiers: Orphanet 2134, MedGen C2931788, MONDO:0016244.
C3-related disorder. Also called: C3-related condition.

Allele frequency attached by ClinVar (database versions not stated): ESP Exome Variant Server 0.00008; TOPMed 0.00008; gnomAD 0.00012 and 0.00013; ExAC 0.00021; gnomAD exomes 0.00024 and 0.00026.
gnomAD v4.1: 389 of 1,613,784 alleles (0.024%); highest among the groups gnomAD compares: South Asian, 0.091%; 2 homozygotes.

Submissions (10):

Genomenon, Inc
Classification: Likely benign for Atypical hemolytic-uremic syndrome. Last evaluated: 2025-09-30. Review status: criteria provided, single submitter. Criteria: Genomenon Sequence Variant Interpretation Standards. Collection method: curation. Allele origin: germline. Affected: yes.
Comment: C3 p.Arg954His (c.2861G>A) is a missense variant that changes the amino acid at residue 954 from Arginine to Histidine. This variant has been observed in at least one proband affected with atypical hemolytic-uremic syndrome (PMID:28939980). In silico models agree that this variant is not damaging. This variant’s allele frequency in gnomAD is greater than expected for this disorder. In conclusion, we classify C3 p.Arg954His (c.2861G>A) as a likely benign variant.

Labcorp Genetics (formerly Invitae), Labcorp
Classification: Likely benign. Last evaluated: 2025-08-02. Review status: criteria provided, single submitter. Criteria: Invitae Variant Classification Sherloc (09022015). Collection method: clinical testing. Allele origin: germline.

Mayo Clinic Laboratories, Mayo Clinic
Classification: Uncertain significance. Last evaluated: 2025-06-14. Review status: criteria provided, single submitter. Criteria: ACMG Guidelines, 2015. Collection method: clinical testing. Allele origin: germline. Observed: 2 variant alleles.

Women's Health and Genetics/Laboratory Corporation of America, LabCorp
Classification: Likely benign. Last evaluated: 2024-12-04. Review status: criteria provided, single submitter. Criteria: LabCorp Variant Classification Summary - May 2015. Collection method: clinical testing. Allele origin: germline.
Comment: Variant summary: C3 c.2861G>A (p.Arg954His) results in a non-conservative amino acid change in the encoded protein sequence. Four of five in-silico tools predict a benign effect of the variant on protein function. The variant allele was found at a frequency of 0.00024 in 251480 control chromosomes, predominantly at a frequency of 0.001 within the South Asian subpopulation in the gnomAD database, including 1 homozygote. The observed variant frequency within South Asian control individuals in the gnomAD database is approximately 11200 fold of the estimated maximal expected allele frequency for a pathogenic variant in C3 causing Genetic Atypical Hemolytic Uremic Syndrome phenotype (8.9e-08). c.2861G>A has been reported in the literature in an individual(s) affected with Atypical Hemolytic Uremic Syndrome without strong evidence of causality (Thergaonkar_2018). This report does not provide unequivocal conclusions about association of the variant with Genetic Atypical Hemolytic Uremic Syndrome. To our knowledge, no experimental evidence demonstrating an impact on protein function has been reported. The following publication has been ascertained in the context of this evaluation (PMID: 28939980). ClinVar contains an entry for this variant (Variation ID: 389714). Based on the evidence outlined above, the variant was classified as likely benign.

Blueprint Genetics
Classification: Uncertain significance. Last evaluated: 2024-05-24. Review status: criteria provided, single submitter. Criteria: ACMG Guidelines, 2015. Collection method: clinical testing. Allele origin: germline.

PreventionGenetics, part of Exact Sciences
Classification: Uncertain significance for C3-related condition. Last evaluated: 2022-09-19. Review status: criteria provided, single submitter. Criteria: ACMG Guidelines, 2015. Collection method: clinical testing. Allele origin: germline.
Comment: The C3 c.2861G>A variant is predicted to result in the amino acid substitution p.Arg954His. This variant has been identified in an individual with atypical hemolytic uremic syndrome (Supplementary Table 1 and 3, Thergaonkar et al. 2018. PubMed ID: 28939980). This variant is reported in 0.15% of alleles in individuals of Ashkenazi Jewish descent in gnomAD and is reported in the homozygous state in one individual of South Asian descent, which may be too common to be causative. Although we suspect that this variant may be benign, at this time, the clinical significance of this variant is uncertain due to the absence of conclusive functional and genetic evidence.

Illumina Laboratory Services, Illumina
Classification: Uncertain significance for Complement component 3 deficiency. Last evaluated: 2017-04-27. Review status: criteria provided, single submitter. Criteria: ICSL Variant Classification Criteria 13 December 2019. Collection method: clinical testing. Allele origin: germline.

Illumina Laboratory Services, Illumina
Classification: Benign for Atypical hemolytic-uremic syndrome with C3 anomaly. Last evaluated: 2017-04-27. Review status: criteria provided, single submitter. Criteria: ICSL Variant Classification Criteria 13 December 2019. Collection method: clinical testing. Allele origin: germline.
Comment: This variant was observed as part of a predisposition screen in an ostensibly healthy population. A literature search was performed for the gene, cDNA change, and amino acid change (where applicable). No publications were found based on this search. Allele frequency data from public databases was too high to be consistent with this variant causing disease. Therefore, this variant is classified as benign.

Illumina Laboratory Services, Illumina
Classification: Uncertain significance for Age related macular degeneration 9. Last evaluated: 2017-04-27. Review status: criteria provided, single submitter. Criteria: ICSL Variant Classification Criteria 13 December 2019. Collection method: clinical testing. Allele origin: germline.

GeneDx
Classification: Uncertain significance. Last evaluated: 2016-09-30. Review status: criteria provided, single submitter. Criteria: GeneDx Variant Classification (06012015). Collection method: clinical testing. Allele origin: germline. Affected: yes.
Comment: The R954H variant in the C3 gene has not been reported previously as a pathogenic variant, nor as a benign variant, to our knowledge. The R954H variant was not observed at any significant frequency in approximately 6,500 individuals of European and African American ancestry in the NHLBI Exome Sequencing Project, indicating it is not a common benign variant in these populations. The R954H variant is a conservative amino acid substitution, which is not likely to impact secondary protein structure as these residues share similar properties. This substitution occurs at a position that is not conserved. In silico analysis is inconsistent in its predictions as to whether or not the variant is damaging to the protein structure/function. We interpret R954H as a variant of uncertain significance.

Literature cited by the submitters: PubMed 28939980 (cited by 3 submitters).

NM_000064.4(C3):c.2861G>A (p.Arg954His)

Gene: C3 (complement C3; minus strand). Cytogenetic location: 19p13.3.
Variant type: single nucleotide variant.
Coding change: c.2861G>A on transcript NM_000064.4 (MANE Select); coding-DNA position 2861, G replaced by A.
Protein change: p.Arg954His; replaces arginine 954 with histidine.
Molecular consequence: missense variant.
Genome position (GRCh38, 1-based): chr19:6,696,595, C>T on the plus strand (G>A on the coding strand, the complement: C3 is on the minus strand). VCF-style: chr19-6696595-C-T. GRCh37 (hg19) VCF-style: chr19-6696606-C-T.
Other names: p.Arg954His; short protein forms R954H.
Identifiers: ClinVar variation 389714 (VCV000389714.19), dbSNP rs139864704, ClinGen allele CA9128952.
Genomic context (GRCh38, chr19:6,696,595, plus strand): 5'-GTCATTTACCCCCCTTACCCTGCCAGCCCCTCAGCCCCTCCCCCTGCAGCCGACTCACCA[C>T]GGCCCAGGCGTTCTGGATCCAGGGTGCGAACAGCCACAGTTTTGTTCATTCTGATTCCTT-3'
Protein context (NP_000055.2, residues 944-964): VRTLDPERLG[Arg954His]EGVQKEDIPP